The following is an entry in ClinVar:

ClinVar aggregate classification (germline): Benign (1 of 4 stars; one submission).

Conditions:
Familial cancer of breast. Also called: Hereditary breast cancer; BREAST CANCER, FAMILIAL; hereditary breast carcinoma. Identifiers: Orphanet 227535, MedGen C0346153, MONDO:0016419, OMIM 114480. Disease mechanism: loss of function.

Submission:

Myriad Genetics, Inc.
Classification: Benign for Familial cancer of breast. Last evaluated: 2024-10-04. Review status: criteria provided, single submitter. Criteria: Myriad Autosomal Dominant, Autosomal Recessive and X-Linked Classification Criteria (2023). Collection method: clinical testing. Allele origin: unknown.
Comment: This variant is considered benign. This variant is a silent/synonymous amino acid change and it is not expected to impact splicing.

NM_007194.4(CHEK2):c.1050A>C (p.Pro350=)

Gene: CHEK2 (checkpoint kinase 2; minus strand). Cytogenetic location: 22q12.1.
Variant type: single nucleotide variant.
Coding change: c.1050A>C on transcript NM_007194.4 (MANE Select); coding-DNA position 1050, A replaced by C.
Protein change: p.Pro350=; no amino-acid change (proline 350 retained).
Molecular consequence: synonymous variant. On other transcripts: intron variant (3).
Genome position (GRCh38, 1-based): chr22:28,696,946, T>G on the plus strand (A>C on the coding strand, the complement: CHEK2 is on the minus strand). VCF-style: chr22-28696946-T-G. GRCh37 (hg19) VCF-style: chr22-29092934-T-G.
Other names: c.1179A>C, p.Pro393= (NM_001005735.3); c.387A>C, p.Pro129= (NM_001257387.3, NM_001437942.1); c.849A>C, p.Pro283= (NM_001349956.3); c.1143A>C, p.Pro381= (NM_001438293.1); c.1009-1073A>C (NM_145862.3); c.1102-1073A>C (NM_001438295.1); c.1138-1073A>C (NM_001438294.1).
Identifiers: ClinVar variation 3772836 (VCV003772836.1).